The following is an entry in ClinVar:

NM_000271.5(NPC1):c.1280C>G (p.Ala427Gly)

Gene: NPC1 (NPC intracellular cholesterol transporter 1; minus strand). Cytogenetic location: 18q11.2.
Variant type: single nucleotide variant.
Coding change: c.1280C>G on transcript NM_000271.5 (MANE Select); coding-DNA position 1280, C replaced by G.
Protein change: p.Ala427Gly; replaces alanine 427 with glycine.
Molecular consequence: missense variant.
Genome position (GRCh38, 1-based): chr18:23,556,289, G>C on the plus strand (C>G on the coding strand, the complement: NPC1 is on the minus strand). VCF-style: chr18-23556289-G-C. GRCh37 (hg19) VCF-style: chr18-21136253-G-C.
Other names: short protein forms A427G.
Identifiers: ClinVar variation 2138971 (VCV002138971.2), dbSNP rs2511282340, ClinGen allele CA401777250.

ClinVar aggregate classification (germline): Uncertain significance (1 of 4 stars; one submission).

Conditions:
Niemann-Pick disease, type C1. Also called: NEUROVISCERAL STORAGE DISEASE WITH VERTICAL SUPRANUCLEAR OPHTHALMOPLEGIA; NIEMANN-PICK DISEASE WITH CHOLESTEROL ESTERIFICATION BLOCK; NIEMANN-PICK DISEASE WITHOUT SPHINGOMYELINASE DEFICIENCY; NIEMANN-PICK DISEASE, CHRONIC NEURONOPATHIC FORM; NIEMANN-PICK DISEASE, VARIANT TYPE C1. Identifiers: Orphanet 646, MedGen C3179455, MONDO:0009757, OMIM 257220.

Submission:

Labcorp Genetics (formerly Invitae), Labcorp
Classification: Uncertain significance for Niemann-Pick disease, type C1. Last evaluated: 2025-02-24. Review status: criteria provided, single submitter. Criteria: Invitae Variant Classification Sherloc (09022015). Collection method: clinical testing. Allele origin: germline.
Comment: This sequence change replaces alanine, which is neutral and non-polar, with glycine, which is neutral and non-polar, at codon 427 of the NPC1 protein (p.Ala427Gly). This variant is not present in population databases (gnomAD no frequency). This variant has not been reported in the literature in individuals affected with NPC1-related conditions. ClinVar contains an entry for this variant (Variation ID: 2138971). Invitae Evidence Modeling of protein sequence and biophysical properties (such as structural, functional, and spatial information, amino acid conservation, physicochemical variation, residue mobility, and thermodynamic stability) indicates that this missense variant is not expected to disrupt NPC1 protein function with a negative predictive value of 95%. In summary, the available evidence is currently insufficient to determine the role of this variant in disease. Therefore, it has been classified as a Variant of Uncertain Significance.